The following is an entry in ClinVar:

ClinVar aggregate classification (germline): Uncertain significance (1 of 4 stars; one submission).

Submission:

Labcorp Genetics (formerly Invitae), Labcorp
Classification: Uncertain significance. Last evaluated: 2022-11-25. Review status: criteria provided, single submitter. Criteria: Invitae Variant Classification Sherloc (09022015). Collection method: clinical testing. Allele origin: germline.
Comment: In summary, the available evidence is currently insufficient to determine the role of this variant in disease. Therefore, it has been classified as a Variant of Uncertain Significance. This variant has not been reported in the literature in individuals affected with CTNNA1-related conditions. This variant is a gross deletion of the genomic region encompassing exon(s) 10-18 of the CTNNA1 gene, which includes the termination codon. This deletion extends beyond the assayed region for this gene and therefore may encompass additional genes. While this deletion is not anticipated to lead to nonsense mediated decay, it is expected to alter mRNA translation or result in a truncated protein product.

NC_000005.9:g.(?_138240028)_(138269778_?)del

Gene: CTNNA1 (catenin alpha 1; plus strand). Cytogenetic location: 5q31.2.
Variant type: Deletion.
Identifiers: ClinVar variation 1450006 (VCV001450006.6).